The following is an entry in ClinVar:

NM_005732.4(RAD50):c.3035A>G (p.Lys1012Arg)

Gene: RAD50 (RAD50 double strand break repair protein; plus strand). Cytogenetic location: 5q31.1.
Variant type: single nucleotide variant.
Coding change: c.3035A>G on transcript NM_005732.4 (MANE Select); coding-DNA position 3035, A replaced by G.
Protein change: p.Lys1012Arg; replaces lysine 1012 with arginine.
Molecular consequence: missense variant.
Genome position (GRCh38, 1-based): chr5:132,609,395, A>G. VCF-style: chr5-132609395-A-G. GRCh37 (hg19) VCF-style: chr5-131945087-A-G.
Other names: short protein forms K1012R.
Identifiers: ClinVar variation 651613 (VCV000651613.17), dbSNP rs369638979, ClinGen allele CA127260967.

ClinVar aggregate classification (germline): Uncertain significance. Review status: criteria provided, multiple submitters, no conflicts (2 of 4 stars). 3 submissions from 3 submitters: Uncertain significance (3). Last evaluated 2024-06-20.

Conditions:
Familial cancer of breast. Also called: hereditary breast carcinoma; BREAST CANCER, FAMILIAL; Hereditary breast cancer. Identifiers: Orphanet 227535, MedGen C0346153, MONDO:0016419, OMIM 114480. Disease mechanism: loss of function.
Hereditary cancer-predisposing syndrome. Also called: Neoplastic Syndromes, Hereditary; Tumor predisposition; Hereditary Cancer Syndrome; Hereditary neoplastic syndrome. Identifiers: Orphanet 140162, MedGen C0027672, MeSH D009386, MONDO:0015356.

Allele frequency attached by ClinVar (database versions not stated): gnomAD exomes below 0.00001.
gnomAD v4.1: 2 of 1,613,638 alleles (0.00012%); highest among the groups gnomAD compares: East Asian, 0.0022%; no homozygotes.

Submissions (3):

KCCC/NGS Laboratory, Kuwait Cancer Control Center
Classification: Uncertain significance for Familial cancer of breast. Last evaluated: 2024-06-20. Review status: criteria provided, single submitter. Criteria: ACMG Guidelines, 2015. Collection method: clinical testing. Allele origin: germline. Inheritance: Autosomal dominant inheritance. Affected: yes. Observed: 1 heterozygote.
Comment: This sequence change replaces lysine, which is basic and polar, with arginine, which is basic and polar, at codon 1012 of the RAD50 protein (p.Lys1012Arg). This amino acid position is highly conserved( PhyloP=8.69). This variant has not been reported in the literature in individuals affected with RAD50-related conditions. This variant is present in population databases (rs369638979, gnomAD 0.006%). ClinVar contains an entry for this variant (Variation ID: 651613)In addition, this alteration is predicted to be tolerated by in silico analysis. In summary, the available evidence is currently insufficient to determine the role of this variant in disease. Therefore, it has been classified as a Variant of Uncertain Significance

Labcorp Genetics (formerly Invitae), Labcorp
Classification: Uncertain significance for Hereditary cancer-predisposing syndrome. Last evaluated: 2023-07-17. Review status: criteria provided, single submitter. Criteria: Invitae Variant Classification Sherloc (09022015). Collection method: clinical testing. Allele origin: germline.
Comment: In summary, the available evidence is currently insufficient to determine the role of this variant in disease. Therefore, it has been classified as a Variant of Uncertain Significance. An algorithm developed to predict the effect of missense changes on protein structure and function (PolyPhen-2) suggests that this variant is likely to be disruptive. ClinVar contains an entry for this variant (Variation ID: 651613). This variant has not been reported in the literature in individuals affected with RAD50-related conditions. This variant is present in population databases (rs369638979, gnomAD 0.006%). This sequence change replaces lysine, which is basic and polar, with arginine, which is basic and polar, at codon 1012 of the RAD50 protein (p.Lys1012Arg).

Ambry Genetics
Classification: Uncertain significance for Hereditary cancer-predisposing syndrome. Last evaluated: 2022-12-14. Review status: criteria provided, single submitter. Criteria: Ambry Variant Classification Scheme 2023. Collection method: clinical testing. Allele origin: germline.
Comment: The p.K1012R variant (also known as c.3035A>G), located in coding exon 19 of the RAD50 gene, results from an A to G substitution at nucleotide position 3035. The lysine at codon 1012 is replaced by arginine, an amino acid with highly similar properties. This amino acid position is highly conserved in available vertebrate species. Using the BDGP and ESEfinder splice site prediction tools, this alteration is predicted to weaken the efficiency of the native splice donor site; however, direct evidence is unavailable. In addition, this alteration is predicted to be tolerated by in silico analysis. Since supporting evidence is limited at this time, the clinical significance of this alteration remains unclear.